The following is an entry in ClinVar:

ClinVar aggregate classification (germline): Uncertain significance. Review status: criteria provided, single submitter (1 of 4 stars). 2 submissions from 2 submitters: Uncertain significance (1). 1 of the submissions does not count toward it. Last evaluated 2025-08-07.

Conditions:
LAMA5-related disorder. Also called: LAMA5-related condition; LAMA5-Related Disorders.

Submissions (2):

GeneDx
Classification: Uncertain significance. Last evaluated: 2025-08-07. Review status: criteria provided, single submitter. Criteria: GeneDx Variant Classification Process June 2021. Collection method: clinical testing. Allele origin: germline. Affected: yes.
Comment: Frameshift variant predicted to result in protein truncation or nonsense mediated decay in a gene for which loss of function is a known mechanism of disease; Has not been previously published as pathogenic or benign to our knowledge

PreventionGenetics, part of Exact Sciences
Classification: Uncertain significance for LAMA5-related condition. Last evaluated: 2024-01-22. Review status: no assertion criteria provided. Collection method: clinical testing. Allele origin: germline. Not counted in ClinVar's aggregate classification.
Comment: The LAMA5 c.2464_2467delGACT variant is predicted to result in a frameshift and premature protein termination (p.Asp822Ilefs*98). To our knowledge, this variant has not been reported in the literature. This variant is reported in 0.0033% of alleles in individuals of South Asian descent in gnomAD. Although we suspect that this variant may be pathogenic, at this time, the clinical significance of this variant is uncertain due to the absence of conclusive functional and genetic evidence.

NM_005560.6(LAMA5):c.2464_2467del (p.Asp822fs)

Gene: LAMA5 (laminin subunit alpha 5; minus strand). Cytogenetic location: 20q13.33.
Variant type: Deletion.
Coding change: c.2464_2467del on transcript NM_005560.6 (MANE Select); coding-DNA positions 2464 to 2467, 4 bases deleted (GACT; older notation c.2464_2467delGACT).
Protein change: p.Asp822fs; shifts the reading frame from aspartic acid 822.
Molecular consequence: frameshift variant.
Genome position (GRCh38, 1-based): chr20:62,335,036-62,335,039, AGTC deleted on the plus strand (GACT on the coding strand, the reverse complement: LAMA5 is on the minus strand); deleting any 4 consecutive bases within chr20:62,335,036-62,335,041 gives the same sequence; the c. name uses the placement nearest the transcript's 3' end. VCF-style (leftmost placement, unchanged base first): chr20-62335035-TAGTC-T. GRCh37 (hg19) VCF-style: chr20-60910091-TAGTC-T.
Other names: c.2464_2467del (NM_005560.3); short protein forms D822fs.
Identifiers: ClinVar variation 3029086 (VCV003029086.3), dbSNP rs1355086744, ClinGen allele CA636610929.
Genomic context (GRCh38, chr20:62,335,035, plus strand): 5'-GAGGGGAGGCAGGGCTGTGGTCTGGGACGAGCGAGTGGGCACTCACTGCGGCAGCCAAAA[TAGTC>T]AGCCTGATCCAGTCCAAAGAAGCCATCCTTGCAGGACGCGCAGGCCTGGCCGCACACGTG-3'